The following is an entry in ClinVar:

ClinVar aggregate classification (germline): Uncertain significance (1 of 4 stars; one submission).

Allele frequency attached by ClinVar (database versions not stated): TOPMed below 0.00001.

Submission:

Labcorp Genetics (formerly Invitae), Labcorp
Classification: Uncertain significance. Last evaluated: 2022-06-17. Review status: criteria provided, single submitter. Criteria: Invitae Variant Classification Sherloc (09022015). Collection method: clinical testing. Allele origin: germline.
Comment: Algorithms developed to predict the effect of missense changes on protein structure and function output the following: SIFT: "Tolerated"; PolyPhen-2: "Not Available"; Align-GVGD: "Class C0". The isoleucine amino acid residue is found in multiple mammalian species, which suggests that this missense change does not adversely affect protein function. This variant has not been reported in the literature in individuals affected with PCLO-related conditions. This variant is not present in population databases (gnomAD no frequency). This sequence change replaces threonine, which is neutral and polar, with isoleucine, which is neutral and non-polar, at codon 1293 of the PCLO protein (p.Thr1293Ile). In summary, the available evidence is currently insufficient to determine the role of this variant in disease. Therefore, it has been classified as a Variant of Uncertain Significance.

NM_033026.6(PCLO):c.3878C>T (p.Thr1293Ile)

Gene: PCLO (piccolo presynaptic cytomatrix protein; minus strand). Cytogenetic location: 7q21.11.
Variant type: single nucleotide variant.
Coding change: c.3878C>T on transcript NM_033026.6 (MANE Select); coding-DNA position 3878, C replaced by T.
Protein change: p.Thr1293Ile; replaces threonine 1293 with isoleucine.
Molecular consequence: missense variant.
Genome position (GRCh38, 1-based): chr7:82,965,910, G>A on the plus strand (C>T on the coding strand, the complement: PCLO is on the minus strand). VCF-style: chr7-82965910-G-A. GRCh37 (hg19) VCF-style: chr7-82595226-G-A.
Other names: c.3878C>T, p.Thr1293Ile (NM_014510.3); short protein forms T1293I.
Identifiers: ClinVar variation 1348698 (VCV001348698.8), dbSNP rs1795756820, ClinGen allele CA367931390.